The following is an entry in ClinVar:

NM_020944.3(GBA2):c.1036A>G (p.Thr346Ala)

Gene: GBA2 (glucosylceramidase beta 2; minus strand). Cytogenetic location: 9p13.3.
Variant type: single nucleotide variant.
Coding change: c.1036A>G on transcript NM_020944.3 (MANE Select); coding-DNA position 1036, A replaced by G.
Protein change: p.Thr346Ala; replaces threonine 346 with alanine.
Molecular consequence: missense variant.
Genome position (GRCh38, 1-based): chr9:35,740,619, T>C on the plus strand (A>G on the coding strand, the complement: GBA2 is on the minus strand). VCF-style: chr9-35740619-T-C. GRCh37 (hg19) VCF-style: chr9-35740616-T-C.
Other names: c.1036A>G, p.Thr346Ala (NM_001330660.2); short protein forms T346A.
Identifiers: ClinVar variation 579045 (VCV000579045.3), dbSNP rs762266200, ClinGen allele CA5050534.
Genomic context (GRCh38, chr9:35,740,619, plus strand): 5'-GATCCTGCCACACCTGCTGCCCCGTGCTGTCAGGGTCAAAGGCTGTGATGTGGGTTACCG[T>C]GGTAGCTGCCTGTGAAGGGGTCAGGGACTGTGAGGGCAGGCTCCACGAGTACACTGGGTC-3'
Protein context (NP_065995.1, residues 336-356): AVAARVTAAT[Thr346Ala]VTHITAFDPD

ClinVar aggregate classification (germline): Uncertain significance (1 of 4 stars; one submission).

Conditions:
Spastic paraplegia. Identifiers: MedGen C0037772, HP:0001258.

Allele frequency attached by ClinVar (database versions not stated): gnomAD 0.00001; gnomAD exomes 0.00001 and 0.00006; ExAC 0.00002; TOPMed 0.00006.

Submission:

Labcorp Genetics (formerly Invitae), Labcorp
Classification: Uncertain significance for Spastic paraplegia. Last evaluated: 2022-07-19. Review status: criteria provided, single submitter. Criteria: Invitae Variant Classification Sherloc (09022015). Collection method: clinical testing. Allele origin: germline.
Comment: This sequence change replaces threonine, which is neutral and polar, with alanine, which is neutral and non-polar, at codon 346 of the GBA2 protein (p.Thr346Ala). This variant is present in population databases (rs762266200, gnomAD 0.05%). This variant has not been reported in the literature in individuals affected with GBA2-related conditions. ClinVar contains an entry for this variant (Variation ID: 579045). Algorithms developed to predict the effect of missense changes on protein structure and function (SIFT, PolyPhen-2, Align-GVGD) all suggest that this variant is likely to be tolerated. In summary, the available evidence is currently insufficient to determine the role of this variant in disease. Therefore, it has been classified as a Variant of Uncertain Significance.